The following is an entry in ClinVar:

NM_032608.7(MYO18B):c.3832G>A (p.Ala1278Thr)

Gene: MYO18B (myosin XVIIIB; plus strand). Cytogenetic location: 22q12.1.
Variant type: single nucleotide variant.
Coding change: c.3832G>A on transcript NM_032608.7 (MANE Select); coding-DNA position 3832, G replaced by A.
Protein change: p.Ala1278Thr; replaces alanine 1278 with threonine.
Molecular consequence: missense variant.
Genome position (GRCh38, 1-based): chr22:25,851,526, G>A. VCF-style: chr22-25851526-G-A. GRCh37 (hg19) VCF-style: chr22-26247493-G-A.
Other names: c.3835G>A, p.Ala1279Thr (NM_001318245.2); c.3832G>A (NM_032608.5); short protein forms A1278T, A1279T.
Identifiers: ClinVar variation 1437830 (VCV001437830.6), dbSNP rs2090427921, ClinGen allele CA411002674.

ClinVar aggregate classification (germline): Uncertain significance. Review status: criteria provided, multiple submitters, no conflicts (2 of 4 stars). 2 submissions from 2 submitters: Uncertain significance (2). Last evaluated 2025-03-25.

Conditions:
Inborn genetic diseases. Identifiers: MedGen C0950123, MeSH D030342.

Allele frequency attached by ClinVar (database versions not stated): TOPMed below 0.00001.
gnomAD v4.1: 3 of 1,561,578 alleles (0.00019%); highest among the groups gnomAD compares: South Asian, 0.0024%; no homozygotes.

Submissions (2):

Ambry Genetics
Classification: Uncertain significance for Inborn genetic diseases. Last evaluated: 2025-03-25. Review status: criteria provided, single submitter. Criteria: Ambry Variant Classification Scheme 2023. Collection method: clinical testing. Allele origin: germline.

Labcorp Genetics (formerly Invitae), Labcorp
Classification: Uncertain significance. Last evaluated: 2021-03-18. Review status: criteria provided, single submitter. Criteria: Invitae Variant Classification Sherloc (09022015). Collection method: clinical testing. Allele origin: germline.
Comment: Algorithms developed to predict the effect of missense changes on protein structure and function are either unavailable or do not agree on the potential impact of this missense change (SIFT: "Not Available"; PolyPhen-2: "Benign"; Align-GVGD: "Not Available"). This sequence change replaces alanine with threonine at codon 1278 of the MYO18B protein (p.Ala1278Thr). The alanine residue is weakly conserved and there is a small physicochemical difference between alanine and threonine. This variant is not present in population databases (ExAC no frequency). This variant has not been reported in the literature in individuals with MYO18B-related conditions. In summary, the available evidence is currently insufficient to determine the role of this variant in disease. Therefore, it has been classified as a Variant of Uncertain Significance.